The following is an entry in ClinVar:

NM_005159.5(ACTC1):c.109G>A (p.Val37Met)

Genes: ACTC1 (actin alpha cardiac muscle 1; minus strand), GJD2-DT (GJD2 divergent transcript; plus strand). Cytogenetic location: 15q14.
Variant type: single nucleotide variant.
Coding change: c.109G>A on transcript NM_005159.5 (MANE Select); coding-DNA position 109, G replaced by A.
Protein change: p.Val37Met; replaces valine 37 with methionine.
Molecular consequence: missense variant.
Genome position (GRCh38, 1-based): chr15:34,794,700, C>T on the plus strand (G>A on the coding strand, the complement: ACTC1 is on the minus strand). VCF-style: chr15-34794700-C-T. GRCh37 (hg19) VCF-style: chr15-35086901-C-T.
Other names: c.109G>A, p.Val37Met (NM_001406482.1, NM_001406483.1); short protein forms V37M.
Identifiers: ClinVar variation 3753198 (VCV003753198.2).
Genomic context (GRCh38, chr15:34,794,700, plus strand): 5'-GGGGTCCCGAGTGGGACGGGGGGCTCGGCGGGAAGTTTACCTGGTGCCGCGGGCGGCCCA[C>T]GATGGACGGGAAGACAGCGCGGGGCGCGTCATCGCCCGCAAAGCCGGCCTTCACCAGCCC-3'
Protein context (NP_005150.1, residues 27-47): DAPRAVFPSI[Val37Met]GRPRHQGVMV

ClinVar aggregate classification (germline): Uncertain significance (1 of 4 stars; one submission).

Conditions:
Atrial septal defect 5 (ASD5). Identifiers: Orphanet 1478, MedGen C2748552, MONDO:0013011, OMIM 612794.
Hypertrophic cardiomyopathy 11. Also called: ACTC1-Related Familial Hypertrophic Cardiomyopathy. Identifiers: MedGen C2677506, MONDO:0012799, OMIM 612098.
Dilated cardiomyopathy 1R (CMD1R). Identifiers: Orphanet 154, Orphanet 54260, MedGen C3150681, MONDO:0013261, OMIM 613424.

gnomAD v4.1: 1 of 1,612,578 alleles (0.000062%); highest among the groups gnomAD compares: Non-Finnish European, 0.000085%; no homozygotes.

Submission:

Labcorp Genetics (formerly Invitae), Labcorp
Classification: Uncertain significance for Dilated cardiomyopathy 1R; Hypertrophic cardiomyopathy 11; Atrial septal defect 5. Last evaluated: 2024-12-15. Review status: criteria provided, single submitter. Criteria: Invitae Variant Classification Sherloc (09022015). Collection method: clinical testing. Allele origin: germline.
Comment: This sequence change replaces valine, which is neutral and non-polar, with methionine, which is neutral and non-polar, at codon 37 of the ACTC1 protein (p.Val37Met). This variant is present in population databases (no rsID available, gnomAD 0.0009%). This variant has not been reported in the literature in individuals affected with ACTC1-related conditions. Invitae Evidence Modeling of protein sequence and biophysical properties (such as structural, functional, and spatial information, amino acid conservation, physicochemical variation, residue mobility, and thermodynamic stability) indicates that this missense variant is not expected to disrupt ACTC1 protein function with a negative predictive value of 80%. In summary, the available evidence is currently insufficient to determine the role of this variant in disease. Therefore, it has been classified as a Variant of Uncertain Significance.